The following is an entry in ClinVar:

ClinVar aggregate classification (germline): Pathogenic/Likely pathogenic. Review status: criteria provided, multiple submitters, no conflicts (2 of 4 stars). 3 submissions from 3 submitters: Pathogenic (2); Likely pathogenic (1). Last evaluated 2025-04-17.

Conditions:
Arrhythmogenic cardiomyopathy with wooly hair and keratoderma. Also called: Arrhythmogenic cardiomyopathy with woolly hair and keratoderma; Dilated cardiomyopathy with woolly hair and keratoderma; PALMOPLANTAR KERATODERMA WITH LEFT VENTRICULAR CARDIOMYOPATHY AND WOOLLY HAIR; Carvajal syndrome. Identifiers: Orphanet 65282, MedGen C1854063, MONDO:0011581, OMIM 605676.
Arrhythmogenic right ventricular dysplasia 8 (ARVD8). Also called: Arrhythmogenic Right Ventricular Dysplasia/Cardiomyopathy 8; ARRHYTHMOGENIC RIGHT VENTRICULAR DYSPLASIA, FAMILIAL, 8; ARRHYTHMOGENIC RIGHT VENTRICULAR CARDIOMYOPATHY 8. Identifiers: MedGen C1843896, MONDO:0011831, OMIM 607450.
DSP-related disorder. Also called: DSP-related condition; DSP-related disorders.
Cardiovascular phenotype. Identifiers: MedGen CN230736.

Submissions (3):

Ambry Genetics
Classification: Likely pathogenic for Cardiovascular phenotype. Last evaluated: 2025-04-17. Review status: criteria provided, single submitter. Criteria: Ambry Variant Classification Scheme 2023. Collection method: clinical testing. Allele origin: germline.
Comment: The p.S299R variant (also known as c.897C>A), located in coding exon 7 of the DSP gene, results from a C to A substitution at nucleotide position 897. The serine at codon 299 is replaced by arginine, an amino acid with dissimilar properties. This variant was reported in individual(s) with features consistent with DSP-related cardiomyopathy (Rigato I et al. Circ Cardiovasc Genet, 2013 Dec;6:533-42) and segregated with disease in at least one family (Rampazzo A et al. Am J Hum Genet, 2002 Nov;71:1200-6). This amino acid position is well conserved in available vertebrate species. In addition, this alteration is predicted to be deleterious by in silico analysis. This variant is considered to be rare based on population cohorts in the Genome Aggregation Database (gnomAD). Based on the majority of available evidence to date, this variant is likely to be pathogenic.

Labcorp Genetics (formerly Invitae), Labcorp
Classification: Pathogenic for Arrhythmogenic cardiomyopathy with wooly hair and keratoderma; Arrhythmogenic right ventricular dysplasia 8. Last evaluated: 2023-11-21. Review status: criteria provided, single submitter. Criteria: Invitae Variant Classification Sherloc (09022015). Collection method: clinical testing. Allele origin: germline.
Comment: This sequence change replaces serine, which is neutral and polar, with arginine, which is basic and polar, at codon 299 of the DSP protein (p.Ser299Arg). This variant is not present in population databases (gnomAD no frequency). This missense change has been observed in individual(s) with arrhythmogenic right ventricular cardiomyopathy (PMID: 12373648). It has also been observed to segregate with disease in related individuals. An algorithm developed to predict the effect of missense changes on protein structure and function (PolyPhen-2) suggests that this variant is likely to be disruptive. For these reasons, this variant has been classified as Pathogenic.

Blueprint Genetics
Classification: Pathogenic for DSP-related disorders. Last evaluated: 2023-02-20. Review status: criteria provided, single submitter. Criteria: ACMG Guidelines, 2015. Collection method: clinical testing. Allele origin: germline. Affected: yes. Observed: 2 variant alleles.

Literature cited by the submitters: PubMed 12373648 (cited by Ambry Genetics and Labcorp Genetics (formerly Invitae), Labcorp); PubMed 24070718 (cited by Ambry Genetics).

NM_004415.4(DSP):c.897C>A (p.Ser299Arg)

Gene: DSP (desmoplakin; plus strand). Cytogenetic location: 6p24.3.
Variant type: single nucleotide variant.
Coding change: c.897C>A on transcript NM_004415.4 (MANE Select); coding-DNA position 897, C replaced by A.
Protein change: p.Ser299Arg; replaces serine 299 with arginine.
Molecular consequence: missense variant.
Genome position (GRCh38, 1-based): chr6:7,565,478, C>A. VCF-style: chr6-7565478-C-A. GRCh37 (hg19) VCF-style: chr6-7565711-C-A.
Other names: c.897C>A, p.Ser299Arg (NM_001008844.3, NM_001319034.2, NM_001406591.1); short protein forms S299R.
Identifiers: ClinVar variation 2954090 (VCV002954090.5), dbSNP rs121912992, ClinGen allele CA362674567.
Genomic context (GRCh38, chr6:7,565,478, plus strand): 5'-GTCCAGGGAGATCATGTGGATCAATGACTGCGAGGAGGAGGAGCTGCTGTACGACTGGAG[C>A]GACAAGAACACCAACATCGCTCAGAAACAGGAGGCCTTCTCCGTAAGTTCACCCCACGCG-3'
Protein context (NP_004406.2, residues 289-309): CEEEELLYDW[Ser299Arg]DKNTNIAQKQ